The following is an entry in ClinVar:

NM_001365480.1(CCDC88A):c.343+5G>T

Gene: CCDC88A (coiled-coil and HOOK domain protein 88A; minus strand). Cytogenetic location: 2p16.1.
Variant type: single nucleotide variant.
Coding change: c.343+5G>T on transcript NM_001365480.1 (MANE Select); 5 bases into the intron after coding-DNA position 343, G replaced by T.
Molecular consequence: intron variant.
Genome position (GRCh38, 1-based): chr2:55,374,809, C>A on the plus strand (G>T on the coding strand, the complement: CCDC88A is on the minus strand). VCF-style: chr2-55374809-C-A. GRCh37 (hg19) VCF-style: chr2-55601945-C-A.
Other names: c.343+5G>T (NM_001254943.2, NM_001135597.2, NM_018084.5).
Identifiers: ClinVar variation 1485599 (VCV001485599.6), dbSNP rs2104830027, ClinGen allele CA2573135042.

ClinVar aggregate classification (germline): Uncertain significance (1 of 4 stars; one submission).

Submission:

Labcorp Genetics (formerly Invitae), Labcorp
Classification: Uncertain significance. Last evaluated: 2022-07-26. Review status: criteria provided, single submitter. Criteria: Invitae Variant Classification Sherloc (09022015). Collection method: clinical testing. Allele origin: germline.
Comment: In summary, the available evidence is currently insufficient to determine the role of this variant in disease. Therefore, it has been classified as a Variant of Uncertain Significance. Variants that disrupt the consensus splice site are a relatively common cause of aberrant splicing (PMID: 17576681, 9536098). Algorithms developed to predict the effect of sequence changes on RNA splicing suggest that this variant is not likely to affect RNA splicing. ClinVar contains an entry for this variant (Variation ID: 1485599). This variant has not been reported in the literature in individuals affected with CCDC88A-related conditions. This variant is not present in population databases (gnomAD no frequency). This sequence change falls in intron 4 of the CCDC88A gene. It does not directly change the encoded amino acid sequence of the CCDC88A protein. It affects a nucleotide within the consensus splice site.

Literature cited by the submitters: PubMed 17576681; PubMed 9536098.